The following is an entry in ClinVar:

ClinVar aggregate classification (germline): Likely benign (1 of 4 stars; one submission).

Submission:

CeGaT Center for Human Genetics Tuebingen
Classification: Likely benign. Last evaluated: 2026-08-01. Review status: criteria provided, single submitter. Criteria: CeGaT Center For Human Genetics Tuebingen Variant Classification Criteria Version 2. Collection method: clinical testing. Allele origin: germline. Affected: yes. Observed: 4 variant alleles.
Comment: BTBD17: PM2:Supporting, BP4, BP7

NM_001080466.2(BTBD17):c.750G>C (p.Arg250=)

Gene: BTBD17 (BTB domain containing 17; minus strand). Cytogenetic location: 17q25.1.
Variant type: single nucleotide variant.
Coding change: c.750G>C on transcript NM_001080466.2 (MANE Select); coding-DNA position 750, G replaced by C.
Protein change: p.Arg250=; no amino-acid change (arginine 250 retained).
Molecular consequence: synonymous variant.
Genome position (GRCh38, 1-based): chr17:74,357,344, C>G on the plus strand (G>C on the coding strand, the complement: BTBD17 is on the minus strand). VCF-style: chr17-74357344-C-G. GRCh37 (hg19) VCF-style: chr17-72353483-C-G.
Identifiers: ClinVar variation 3250798 (VCV003250798.18), dbSNP rs2509858461.